The following is an entry in ClinVar:

NM_024675.4(PALB2):c.2587-59T>C

Gene: PALB2 (partner and localizer of BRCA2; minus strand). Cytogenetic location: 16p12.2.
Variant type: single nucleotide variant.
Coding change: c.2587-59T>C on transcript NM_024675.4 (MANE Select); 59 bases into the intron before coding-DNA position 2587, T replaced by C.
Molecular consequence: intron variant.
Genome position (GRCh38, 1-based): chr16:23,626,456, A>G on the plus strand (T>C on the coding strand, the complement: PALB2 is on the minus strand). VCF-style: chr16-23626456-A-G. GRCh37 (hg19) VCF-style: chr16-23637777-A-G.
Identifiers: ClinVar variation 126667 (VCV000126667.3), dbSNP rs371085248, ClinGen allele CA269548.

ClinVar aggregate classification (germline): Likely benign (0 of 4 stars; one submission).

Conditions:
Familial cancer of breast. Also called: BREAST CANCER, FAMILIAL; hereditary breast carcinoma; Hereditary breast cancer. Identifiers: Orphanet 227535, MedGen C0346153, MONDO:0016419, OMIM 114480. Disease mechanism: loss of function.

Allele frequency attached by ClinVar (database versions not stated): TOPMed 0.00004.
gnomAD v4.1: 46 of 1,577,314 alleles (0.0029%); highest among the groups gnomAD compares: Middle Eastern, 0.18%; no homozygotes.

Submission:

Leiden Open Variation Database
Classification: Likely benign for Familial cancer of breast. Last evaluated: 2019-05-13. Review status: no assertion criteria provided. Collection method: curation. Allele origin: germline. Affected: yes.
Comment: Curators: Marc Tischkowitz, Arleen D. Auerbach. Submitter to LOVD: Marc Tischkowitz.

Literature cited by the submitters: PubMed 23935836.